The following is an entry in ClinVar:

ClinVar aggregate classification (germline): Uncertain significance (1 of 4 stars; one submission).

Allele frequency attached by ClinVar (database versions not stated): gnomAD exomes below 0.00001.
gnomAD v4.1: 1 of 1,614,080 alleles (0.000062%); highest among the groups gnomAD compares: Non-Finnish European, 0.000085%; no homozygotes.

Submission:

GeneDx
Classification: Uncertain significance. Last evaluated: 2019-08-20. Review status: criteria provided, single submitter. Criteria: GeneDx Variant Classification Process June 2021. Collection method: clinical testing. Allele origin: germline. Affected: yes.
Comment: Not observed in large population cohorts (Lek et al., 2016); In silico analysis, which includes protein predictors and evolutionary conservation, supports that this variant does not alter protein structure/function; Has not been previously published as pathogenic or benign to our knowledge

NM_000233.4(LHCGR):c.1150C>A (p.Leu384Ile)

Genes: LHCGR (luteinizing hormone/choriogonadotropin receptor; minus strand), STON1-GTF2A1L (STON1-GTF2A1L readthrough; plus strand). Cytogenetic location: 2p16.3.
Variant type: single nucleotide variant.
Coding change: c.1150C>A on transcript NM_000233.4 (MANE Select); coding-DNA position 1150, C replaced by A.
Protein change: p.Leu384Ile; replaces leucine 384 with isoleucine.
Molecular consequence: missense variant. On other transcripts: intron variant (1).
Genome position (GRCh38, 1-based): chr2:48,688,647, G>T on the plus strand (C>A on the coding strand, the complement: LHCGR is on the minus strand). VCF-style: chr2-48688647-G-T. GRCh37 (hg19) VCF-style: chr2-48915786-G-T.
Other names: c.3441+16967G>T (NM_001198593.2); short protein forms L384I.
Identifiers: ClinVar variation 1307902 (VCV001307902.2), dbSNP rs2104356754, ClinGen allele CA346749140.
Genomic context (GRCh38, chr2:48,688,647, plus strand): 5'-CAAAGGAGAGATTGCACATGAGAAAACGAGGCACTGTAAGTTTGTAACGACTTGTCAGGA[G>T]AACAAAAAGAACAGTCATGTTTCCCATGATGGCTAGAATATTAATCAGCCAAATCAGGAC-3'
Protein context (NP_000224.2, residues 374-394): IMGNMTVLFV[Leu384Ile]LTSRYKLTVP